The following is an entry in ClinVar:

ClinVar aggregate classification (germline): Likely pathogenic (1 of 4 stars; one submission).

Conditions:
alpha Thalassemia. Also called: Alpha thalassemia spectrum. Identifiers: Orphanet 846, MedGen C0002312, MONDO:0011399, OMIM 604131.

Submission:

Natera, Inc.
Classification: Likely pathogenic for Alpha thalassemia. Last evaluated: 2024-09-13. Review status: criteria provided, single submitter. Criteria: Natera Variant Classification Schema (03/2026). Collection method: clinical testing. Allele origin: germline.
Comment: The c.134delC variant in HBA1 is a frameshift variant predicted to shift the reading frame beginning at codon 45 and leads to a stop codon 5 codons downstream. This variant is expected to result in nonsense mediated decay, truncation, or a dysfunctional protein product. This variant is rare in the general population with a frequency below the threshold expected for the associated phenotype(s). Given the available evidence, this variant is classified as Likely Pathogenic.

NM_000558.5(HBA1):c.134del (p.Pro45fs)

Genes: HBA1 (hemoglobin subunit alpha 1; plus strand), LOC106804613 (hemoglobin subunit alpha 1 recombination region; plus strand). Cytogenetic location: 16p13.3.
Variant type: Deletion.
Coding change: c.134del on transcript NM_000558.5 (MANE Select); coding-DNA position 134, one base deleted (C; older notation c.134delC).
Protein change: p.Pro45fs; shifts the reading frame from proline 45.
Molecular consequence: frameshift variant.
Genome position (GRCh38, 1-based): chr16:176,967, C deleted; the last of 3 consecutive C bases (chr16:176,965-176,967); deleting any one gives the same sequence. VCF-style (leftmost placement, unchanged base first): chr16-176964-TC-T. GRCh37 (hg19) VCF-style: chr16-226963-TC-T.
Other names: short protein forms P45fs.
Identifiers: ClinVar variation 4814372 (VCV004814372.1).